The following is an entry in ClinVar:

ClinVar aggregate classification (germline): Uncertain significance. Review status: criteria provided, multiple submitters, no conflicts (2 of 4 stars). 4 submissions from 4 submitters: Uncertain significance (4). Last evaluated 2025-10-08.

Conditions:
Fanconi anemia complementation group J. Also called: BRIP1-Related Fanconi Anemia. Identifiers: Orphanet 84, MedGen C1836860, MONDO:0012187, OMIM 609054.
Familial cancer of breast. Also called: BREAST CANCER, FAMILIAL; Hereditary breast cancer; hereditary breast carcinoma. Identifiers: Orphanet 227535, MedGen C0346153, MONDO:0016419, OMIM 114480. Disease mechanism: loss of function.
Hereditary cancer-predisposing syndrome. Also called: Hereditary neoplastic syndrome; Neoplastic Syndromes, Hereditary; Tumor predisposition; Hereditary Cancer Syndrome. Identifiers: Orphanet 140162, MedGen C0027672, MeSH D009386, MONDO:0015356.

Allele frequency attached by ClinVar (database versions not stated): TOPMed below 0.00001; gnomAD exomes 0.00001.
gnomAD v4.1: 12 of 1,613,414 alleles (0.00074%); highest among the groups gnomAD compares: Non-Finnish European, 0.00085%; no homozygotes.

Submissions (4):

Ambry Genetics
Classification: Uncertain significance for Hereditary cancer-predisposing syndrome. Last evaluated: 2025-10-08. Review status: criteria provided, single submitter. Criteria: Ambry Variant Classification Scheme 2023. Collection method: clinical testing. Allele origin: germline.
Comment: The p.I504T variant (also known as c.1511T>C), located in coding exon 10 of the BRIP1 gene, results from a T to C substitution at nucleotide position 1511. The isoleucine at codon 504 is replaced by threonine, an amino acid with similar properties. This amino acid position is poorly conserved in available vertebrate species. In addition, this alteration is predicted to be tolerated by in silico analysis. Since supporting evidence is limited at this time, the clinical significance of this alteration remains unclear.

Labcorp Genetics (formerly Invitae), Labcorp
Classification: Uncertain significance for Familial cancer of breast; Fanconi anemia complementation group J. Last evaluated: 2025-07-04. Review status: criteria provided, single submitter. Criteria: Invitae Variant Classification Sherloc (09022015). Collection method: clinical testing. Allele origin: germline.
Comment: This sequence change replaces isoleucine, which is neutral and non-polar, with threonine, which is neutral and polar, at codon 504 of the BRIP1 protein (p.Ile504Thr). This variant is not present in population databases (gnomAD no frequency). This variant has not been reported in the literature in individuals affected with BRIP1-related conditions. ClinVar contains an entry for this variant (Variation ID: 483143). Invitae Evidence Modeling of protein sequence and biophysical properties (such as structural, functional, and spatial information, amino acid conservation, physicochemical variation, residue mobility, and thermodynamic stability) indicates that this missense variant is not expected to disrupt BRIP1 protein function with a negative predictive value of 95%. In summary, the available evidence is currently insufficient to determine the role of this variant in disease. Therefore, it has been classified as a Variant of Uncertain Significance.

Color Diagnostics, LLC DBA Color Health
Classification: Uncertain significance for Hereditary cancer-predisposing syndrome. Last evaluated: 2024-03-06. Review status: criteria provided, single submitter. Criteria: ACMG Guidelines, 2015. Collection method: clinical testing. Allele origin: germline.
Comment: This missense variant replaces isoleucine with threonine at codon 504 of the BRIP1 protein. Computational prediction suggests that this variant may not impact protein structure and function (internally defined REVEL score threshold <= 0.5, PMID: 27666373). To our knowledge, functional studies have not been reported for this variant. This variant has not been reported in individuals affected with hereditary cancer in the literature. This variant has not been identified in the general population by the Genome Aggregation Database (gnomAD), but has been identified in a woman older than age 70 years with no personal history of cancer (FLOSSIES). The available evidence is insufficient to determine the role of this variant in disease conclusively. Therefore, this variant is classified as a Variant of Uncertain Significance.

Baylor Genetics
Classification: Uncertain significance for Familial cancer of breast. Last evaluated: 2023-10-08. Review status: criteria provided, single submitter. Criteria: ACMG Guidelines, 2015. Collection method: clinical testing. Allele origin: unknown.

NM_032043.3(BRIP1):c.1511T>C (p.Ile504Thr)

Gene: BRIP1 (BRCA1 interacting DNA helicase 1; minus strand). Cytogenetic location: 17q23.2.
Variant type: single nucleotide variant.
Coding change: c.1511T>C on transcript NM_032043.3 (MANE Select); coding-DNA position 1511, T replaced by C.
Protein change: p.Ile504Thr; replaces isoleucine 504 with threonine.
Molecular consequence: missense variant.
Genome position (GRCh38, 1-based): chr17:61,784,387, A>G on the plus strand (T>C on the coding strand, the complement: BRIP1 is on the minus strand). VCF-style: chr17-61784387-A-G. GRCh37 (hg19) VCF-style: chr17-59861748-A-G.
Other names: short protein forms I504T.
Identifiers: ClinVar variation 483143 (VCV000483143.21), dbSNP rs755306832, ClinGen allele CA292283073.